The following is an entry in ClinVar:

NM_022114.4(PRDM16):c.658G>T (p.Val220Leu)

Gene: PRDM16 (PR/SET domain 16; plus strand). Cytogenetic location: 1p36.32.
Variant type: single nucleotide variant.
Coding change: c.658G>T on transcript NM_022114.4 (MANE Select); coding-DNA position 658, G replaced by T.
Protein change: p.Val220Leu; replaces valine 220 with leucine.
Molecular consequence: missense variant.
Genome position (GRCh38, 1-based): chr1:3,396,575, G>T. VCF-style: chr1-3396575-G-T. GRCh37 (hg19) VCF-style: chr1-3313139-G-T.
Other names: c.658G>T, p.Val220Leu (NM_199454.3); short protein forms V220L.
Identifiers: ClinVar variation 569476 (VCV000569476.9), dbSNP rs746597198, ClinGen allele CA543901.

ClinVar aggregate classification (germline): Uncertain significance. Review status: criteria provided, multiple submitters, no conflicts (2 of 4 stars). 2 submissions from 2 submitters: Uncertain significance (2). Last evaluated 2023-07-30.

Conditions:
Left ventricular noncompaction 8 (LVNC8). Identifiers: Orphanet 154, Orphanet 54260, MedGen C3809288, MONDO:0014152, OMIM 615373.

Allele frequency attached by ClinVar (database versions not stated): gnomAD 0.00001; ExAC 0.00002; TOPMed 0.00002.

Submissions (2):

Women's Health and Genetics/Laboratory Corporation of America, LabCorp
Classification: Uncertain significance. Last evaluated: 2023-07-30. Review status: criteria provided, single submitter. Criteria: LabCorp Variant Classification Summary - May 2015. Collection method: clinical testing. Allele origin: germline.

Labcorp Genetics (formerly Invitae), Labcorp
Classification: Uncertain significance for Left ventricular noncompaction 8. Last evaluated: 2018-02-20. Review status: criteria provided, single submitter. Criteria: Invitae Variant Classification Sherloc (09022015). Collection method: clinical testing. Allele origin: germline.
Comment: In summary, the available evidence is currently insufficient to determine the role of this variant in disease. Therefore, it has been classified as a Variant of Uncertain Significance. Algorithms developed to predict the effect of missense changes on protein structure and function (SIFT, PolyPhen-2, Align-GVGD) all suggest that this variant is likely to be tolerated, but these predictions have not been confirmed by published functional studies and their clinical significance is uncertain. This variant has not been reported in the literature in individuals with PRDM16-related disease. This variant is present in population databases (rs746597198, ExAC 0.03%). This sequence change replaces valine with leucine at codon 220 of the PRDM16 protein (p.Val220Leu). The valine residue is weakly conserved and there is a small physicochemical difference between valine and leucine.